The following is an entry in ClinVar:

NM_001145358.2(SIN3A):c.1519_1523del (p.Phe507fs)

Gene: SIN3A (SIN3 transcription regulator family member A; minus strand). Cytogenetic location: 15q24.2.
Variant type: Deletion.
Coding change: c.1519_1523del on transcript NM_001145358.2 (MANE Select); coding-DNA positions 1519 to 1523, 5 bases deleted (TTCCT; older notation c.1519_1523delTTCCT).
Protein change: p.Phe507fs; shifts the reading frame from phenylalanine 507.
Molecular consequence: frameshift variant.
Genome position (GRCh38, 1-based): chr15:75,401,855-75,401,859, AGGAA deleted on the plus strand (TTCCT on the coding strand, the reverse complement: SIN3A is on the minus strand); deleting any 5 consecutive bases within chr15:75,401,855-75,401,863 gives the same sequence; the c. name uses the placement nearest the transcript's 3' end. VCF-style (leftmost placement, unchanged base first): chr15-75401854-CAGGAA-C. GRCh37 (hg19) VCF-style: chr15-75694195-CAGGAA-C.
Other names: c.1519_1523del, p.Phe507fs (NM_001145357.2, NM_015477.3); short protein forms F507fs.
Identifiers: ClinVar variation 2811769 (VCV002811769.3), dbSNP rs2542638826, ClinGen allele CA2739269592.

ClinVar aggregate classification (germline): Pathogenic (1 of 4 stars; one submission).

Submission:

Labcorp Genetics (formerly Invitae), Labcorp
Classification: Pathogenic. Last evaluated: 2023-08-04. Review status: criteria provided, single submitter. Criteria: Invitae Variant Classification Sherloc (09022015). Collection method: clinical testing. Allele origin: germline.
Comment: For these reasons, this variant has been classified as Pathogenic. This variant has not been reported in the literature in individuals affected with SIN3A-related conditions. This variant is not present in population databases (gnomAD no frequency). This sequence change creates a premature translational stop signal (p.Phe507Glyfs*5) in the SIN3A gene. It is expected to result in an absent or disrupted protein product. Loss-of-function variants in SIN3A are known to be pathogenic (PMID: 27399968).

Literature cited by the submitters: PubMed 27399968.